The following is an entry in ClinVar:

NM_144599.5(NIPA1):c.21_47del (p.Ala8_Ala16del)

Genes: NIPA1 (NIPA magnesium transporter 1; plus strand), LOC130056709 (ATAC-STARR-seq lymphoblastoid silent region 6259; plus strand). Cytogenetic location: 15q11.2.
Variant type: Deletion.
Coding change: c.21_47del on transcript NM_144599.5 (MANE Select); coding-DNA positions 21 to 47, 27 bases deleted (AGCGGCGGCGGCGGCGGCGGCGGCGGC).
Protein change: p.Ala8_Ala16del.
Molecular consequence: inframe deletion. On other transcripts: intron variant (1).
Genome position (GRCh38, 1-based): chr15:22,786,677-22,786,703, AGCGGCGGCGGCGGCGGCGGCGGCGGC deleted; deleting any 27 consecutive bases within chr15:22,786,672-22,786,703 gives the same sequence; the c. name uses the placement nearest the transcript's 3' end. VCF-style (leftmost placement, unchanged base first): chr15-22786671-TGCGGCAGCGGCGGCGGCGGCGGCGGCG-T. GRCh37 (hg19) VCF-style: chr15-23086364-GGCCGCCGCCGCCGCCGCCGCCGCCGCT-G.
Other names: c.-48+429_-48+455del (NM_001142275.1).
Identifiers: ClinVar variation 2991553 (VCV002991553.3), dbSNP rs1894707658, ClinGen allele CA967611905.

ClinVar aggregate classification (germline): Uncertain significance (1 of 4 stars; one submission).

Conditions:
Hereditary spastic paraplegia 6 (SPG6). Also called: SPASTIC PARAPLEGIA 6, AUTOSOMAL DOMINANT. Identifiers: Orphanet 100988, MedGen C1838192, MONDO:0010878, OMIM 600363.

Submission:

Labcorp Genetics (formerly Invitae), Labcorp
Classification: Uncertain significance for Hereditary spastic paraplegia 6. Last evaluated: 2025-02-13. Review status: criteria provided, single submitter. Criteria: Invitae Variant Classification Sherloc (09022015). Collection method: clinical testing. Allele origin: germline.
Comment: This variant, c.21_47del, results in the deletion of 9 amino acid(s) of the NIPA1 protein (p.Ala8_Ala16del), but otherwise preserves the integrity of the reading frame. The frequency data for this variant in the population databases is considered unreliable, as metrics indicate insufficient coverage at this position in the gnomAD database. This variant has not been reported in the literature in individuals affected with NIPA1-related conditions. ClinVar contains an entry for this variant (Variation ID: 2991553). Experimental studies and prediction algorithms are not available or were not evaluated, and the functional significance of this variant is currently unknown. In summary, the available evidence is currently insufficient to determine the role of this variant in disease. Therefore, it has been classified as a Variant of Uncertain Significance.